The following is an entry in ClinVar:

NM_005632.3(CAPN15):c.984C>T (p.Thr328=)

Gene: CAPN15 (calpain 15; plus strand). Cytogenetic location: 16p13.3.
Variant type: single nucleotide variant.
Coding change: c.984C>T on transcript NM_005632.3 (MANE Select); coding-DNA position 984, C replaced by T.
Protein change: p.Thr328=; no amino-acid change (threonine 328 retained).
Molecular consequence: synonymous variant.
Genome position (GRCh38, 1-based): chr16:547,822, C>T. VCF-style: chr16-547822-C-T. GRCh37 (hg19) VCF-style: chr16-597822-C-T.
Other names: c.984C>T (NM_005632.2).
Identifiers: ClinVar variation 4281163 (VCV004281163.7).

ClinVar aggregate classification (germline): Likely benign. Review status: criteria provided, multiple submitters, no conflicts (2 of 4 stars). 2 submissions from 2 submitters: Likely benign (2). Last evaluated 2025-12-22.

gnomAD v4.1: 25 of 1,611,448 alleles (0.0016%); highest among the groups gnomAD compares: East Asian, 0.0022%; no homozygotes.

Submissions (2):

Ambry Genetics
Classification: Likely benign. Last evaluated: 2025-12-22. Review status: criteria provided, single submitter. Criteria: Ambry Variant Classification Scheme 2023. Collection method: clinical testing. Allele origin: germline.

CeGaT Center for Human Genetics Tuebingen
Classification: Likely benign. Last evaluated: 2025-09-01. Review status: criteria provided, single submitter. Criteria: CeGaT Center For Human Genetics Tuebingen Variant Classification Criteria Version 2. Collection method: clinical testing. Allele origin: germline. Affected: yes. Observed: 1 variant allele.
Comment: CAPN15: BP4, BP7